The following is an entry in ClinVar:

NM_015346.4(ZFYVE26):c.1436-2A>G

Gene: ZFYVE26 (zinc finger FYVE-type containing 26; minus strand). Cytogenetic location: 14q24.1.
Variant type: single nucleotide variant.
Coding change: c.1436-2A>G on transcript NM_015346.4 (MANE Select); the canonical splice acceptor site of the intron before coding-DNA position 1436, A replaced by G.
Molecular consequence: splice acceptor variant.
Genome position (GRCh38, 1-based): chr14:67,802,284, T>C on the plus strand (A>G on the coding strand, the complement: ZFYVE26 is on the minus strand). VCF-style: chr14-67802284-T-C. GRCh37 (hg19) VCF-style: chr14-68269001-T-C.
Identifiers: ClinVar variation 3389625 (VCV003389625.14).

ClinVar aggregate classification (germline): Uncertain significance (1 of 4 stars; one submission).

Submission:

CeGaT Center for Human Genetics Tuebingen
Classification: Uncertain significance. Last evaluated: 2024-09-01. Review status: criteria provided, single submitter. Criteria: CeGaT Center For Human Genetics Tuebingen Variant Classification Criteria Version 2. Collection method: clinical testing. Allele origin: germline. Affected: yes. Observed: 1 variant allele.
Comment: ZFYVE26: PM2, PVS1:Moderate